The following is an entry in ClinVar:

ClinVar aggregate classification (germline): Uncertain significance (1 of 4 stars; one submission).

Conditions:
Hereditary cancer-predisposing syndrome. Also called: Hereditary Cancer Syndrome; Hereditary neoplastic syndrome; Neoplastic Syndromes, Hereditary; Tumor predisposition. Identifiers: Orphanet 140162, MedGen C0027672, MeSH D009386, MONDO:0015356.

Allele frequency attached by ClinVar (database versions not stated): gnomAD exomes below 0.00001.
gnomAD v4.1: 1 of 1,613,810 alleles (0.000062%); highest among the groups gnomAD compares: South Asian, 0.0011%; no homozygotes.

Submission:

Ambry Genetics
Classification: Uncertain significance for Hereditary cancer-predisposing syndrome. Last evaluated: 2016-01-21. Review status: criteria provided, single submitter. Criteria: Ambry Variant Classification Scheme 2023. Collection method: clinical testing. Allele origin: germline.
Comment: The p.S1483R variant (also known as c.4449T>A), located in coding exon 12 of the BRCA1 gene, results from a T to A substitution at nucleotide position 4449. The serine at codon 1483 is replaced by arginine, an amino acid with dissimilar properties. This variant was not reported in population based cohorts in the following databases: Database of Single Nucleotide Polymorphisms (dbSNP), NHLBI Exome Sequencing Project (ESP), and 1000 Genomes Project. In the ESP, this variant was not observed in 6502 samples (13004 alleles) with coverage at this position. To date, this alteration has been detected with an allele frequency of approximately 0.0004% (greater than 225000 alleles tested) in our clinical cohort. This amino acid position is poorly conserved in available vertebrate species. In addition, this alteration is predicted to be tolerated by in silico analysis. Since supporting evidence is limited at this time, the clinical significance of this alteration remains unclear.

NM_007294.4(BRCA1):c.4449T>A (p.Ser1483Arg)

Gene: BRCA1 (BRCA1 DNA repair associated; minus strand). Cytogenetic location: 17q21.31.
Variant type: single nucleotide variant.
Coding change: c.4449T>A on transcript NM_007294.4 (MANE Select); coding-DNA position 4449, T replaced by A.
Protein change: p.Ser1483Arg; replaces serine 1483 with arginine.
Molecular consequence: missense variant. On other transcripts: non-coding transcript variant (1).
Genome position (GRCh38, 1-based): chr17:43,076,523, A>T on the plus strand (T>A on the coding strand, the complement: BRCA1 is on the minus strand). VCF-style: chr17-43076523-A-T. GRCh37 (hg19) VCF-style: chr17-41228540-A-T.
Other names: c.4515T>A, p.Ser1505Arg (NM_001407582.1, NM_001407581.1); c.4236T>A, p.Ser1412Arg (NM_001407909.1, NM_001407906.1, NM_001407907.1 and 12 more transcripts); c.4512T>A, p.Ser1504Arg (NM_001407585.1, NM_001407587.1, NM_001407583.1 and 1 more transcripts); c.4509T>A, p.Ser1503Arg (NM_001407590.1, NM_001407591.1); c.4449T>A, p.Ser1483Arg (NM_001407593.1, NM_001407594.1, NM_001407596.1 and 8 more transcripts); c.4446T>A, p.Ser1482Arg (NM_001407610.1, NM_001407611.1, NM_001407612.1 and 17 more transcripts); c.4443T>A, p.Ser1481Arg (NM_001407627.1, NM_001407628.1, NM_001407629.1 and 14 more transcripts); c.4440T>A, p.Ser1480Arg (NM_001407644.1, NM_001407645.1); and 68 more; short protein forms S1483R, S1436R, S1504R, S379R, S1370R, S1412R, S1416R, S1457R.
Identifiers: ClinVar variation 441497 (VCV000441497.6), dbSNP rs1555582581, ClinGen allele CA10592636.
Genomic context (GRCh38, chr17:43,076,523, plus strand): 5'-GCATCTTTACATTGATGTTTCTTACCTTTCCACTCCTGGTTCTTTATTTTTACTGGTAGA[A>T]CTATCTGCAGACACCTCAAACTTGTCAGCAGAAAGGCCTTCTGGATTCTGGCTTATAGGG-3'
Protein context (NP_009225.1, residues 1473-1493): SADKFEVSAD[Ser1483Arg]STSKNKEPGV